The following is an entry in ClinVar:

ClinVar aggregate classification (germline): Uncertain significance (1 of 4 stars; one submission).

Conditions:
Autism, susceptibility to, X-linked 4 (AUTSX4). Identifiers: MedGen C0795888, MONDO:0010440, OMIM 300830.

Submission:

Institute of Human Genetics, University of Goettingen
Classification: Uncertain significance for Autism, susceptibility to, X-linked 4. Last evaluated: 2025-05-09. Review status: criteria provided, single submitter. Criteria: ACMG Guidelines, 2015. Collection method: clinical testing. Allele origin: unknown. Inheritance: X-linked recessive inheritance. Affected: yes. Observed: 1 hemizygote.
Comment: The variant c.2098dup (p.(Leu700Profs*25)) in exon 3 of the PTCHD1-gene is not found in the gnomAD database. The variation generates a 'Frameshift' as coding effect. The frameshift starts at codon Leu700. The new reading frame ends in a STOP codon at position 25. ACMG criteria used for classification: PVS1_str, PM2_sup

NM_173495.3(PTCHD1):c.2098dup (p.Leu700fs)

Gene: PTCHD1 (patched domain containing 1; plus strand). Cytogenetic location: Xp22.11.
Variant type: Duplication.
Coding change: c.2098dup on transcript NM_173495.3 (MANE Select); coding-DNA position 2098, one base duplicated (C; older notation c.2098dupC).
Protein change: p.Leu700fs; shifts the reading frame from leucine 700.
Molecular consequence: frameshift variant.
Genome position (GRCh38, 1-based): chrX:23,393,616, C duplicated; the last of 6 consecutive C bases (chrX:23,393,611-23,393,616); duplicating any one gives the same sequence. VCF-style (leftmost placement, unchanged base first): chrX-23393610-G-GC. GRCh37 (hg19) VCF-style: chrX-23411727-G-GC.
Other names: short protein forms L700fs.
Identifiers: ClinVar variation 4082092 (VCV004082092.1).